The following is an entry in ClinVar:

ClinVar aggregate classification (germline): Benign. Review status: criteria provided, multiple submitters, no conflicts (2 of 4 stars). 3 submissions from 3 submitters: Benign (2). 1 of the submissions does not count toward it. Last evaluated 2026-01-15.

Conditions:
PKD1L1-related disorder. Also called: PKD1L1-related condition.

Allele frequency attached by ClinVar (database versions not stated): 1000 Genomes Project 0.01797; gnomAD 0.01265 and 0.01332; ESP Exome Variant Server 0.01330; TOPMed 0.01386; 1000 Genomes Project 30x 0.01749.
gnomAD v4.1: 3,679 of 1,549,612 alleles (0.24%); highest among the groups gnomAD compares: African/African-American, 4.4%; 71 homozygotes.

Submissions (3):

Labcorp Genetics (formerly Invitae), Labcorp
Classification: Benign. Last evaluated: 2026-01-15. Review status: criteria provided, single submitter. Criteria: Invitae Variant Classification Sherloc (09022015). Collection method: clinical testing. Allele origin: germline.

Breakthrough Genomics
Classification: Benign. Review status: criteria provided, single submitter. Criteria: ACMG Guidelines, 2015. Collection method: not provided. Allele origin: germline. Inheritance: Autosomal recessive inheritance. Affected: yes.

PreventionGenetics, part of Exact Sciences
Classification: Benign for PKD1L1-related condition. Last evaluated: 2019-09-17. Review status: no assertion criteria provided. Collection method: clinical testing. Allele origin: germline. Not counted in ClinVar's aggregate classification.
Comment: This variant is classified as benign based on ACMG/AMP sequence variant interpretation guidelines (Richards et al. 2015 PMID: 25741868, with internal and published modifications).

NM_138295.5(PKD1L1):c.1090T>C (p.Leu364=)

Gene: PKD1L1 (polycystin 1 like 1, transient receptor potential channel interacting; minus strand). Cytogenetic location: 7p12.3.
Variant type: single nucleotide variant.
Coding change: c.1090T>C on transcript NM_138295.5 (MANE Select); coding-DNA position 1090, T replaced by C.
Protein change: p.Leu364=; no amino-acid change (leucine 364 retained).
Molecular consequence: synonymous variant.
Genome position (GRCh38, 1-based): chr7:47,915,570, A>G on the plus strand (T>C on the coding strand, the complement: PKD1L1 is on the minus strand). VCF-style: chr7-47915570-A-G. GRCh37 (hg19) VCF-style: chr7-47955167-A-G.
Identifiers: ClinVar variation 712645 (VCV000712645.12), dbSNP rs17131941, ClinGen allele CA4254150.